The following is an entry in ClinVar:

ClinVar aggregate classification (germline): Pathogenic. Review status: reviewed by expert panel (3 of 4 stars). 6 submissions from 6 submitters: Pathogenic (1). 5 of the submissions do not count toward it. Last evaluated 2016-09-08.

Conditions:
Hereditary breast ovarian cancer syndrome. Also called: Hereditary breast and ovarian cancer syndrome; Hereditary breast and ovarian cancer; Hereditary breast and ovarian cancer syndrome (HBOC); Breast and ovarian cancer; Hereditary breast and/or ovarian cancer syndrome; BRCA1- and BRCA2-Associated Hereditary Breast and Ovarian Cancer. Identifiers: Orphanet 145, MedGen C0677776, MeSH D061325, MONDO:0003582. Disease mechanism: loss of function.
Hereditary cancer-predisposing syndrome. Also called: Neoplastic Syndromes, Hereditary; Tumor predisposition; Hereditary neoplastic syndrome; Hereditary Cancer Syndrome. Identifiers: Orphanet 140162, MedGen C0027672, MeSH D009386, MONDO:0015356.
Breast-ovarian cancer, familial, susceptibility to, 2 (BROVCA2). Also called: BRCA2 Hereditary Breast and Ovarian Cancer. Identifiers: Orphanet 145, MedGen C2675520, MONDO:0012933, OMIM 612555. Disease mechanism: loss of function.
Familial cancer of breast. Also called: BREAST CANCER, FAMILIAL; Hereditary breast cancer; hereditary breast carcinoma. Identifiers: Orphanet 227535, MedGen C0346153, MONDO:0016419, OMIM 114480. Disease mechanism: loss of function.

Allele frequency attached by ClinVar (database versions not stated): TOPMed below 0.00001.

Submissions (6):

Evidence-based Network for the Interpretation of Germline Mutant Alleles (ENIGMA)
Classification: Pathogenic for Breast-ovarian cancer, familial, susceptibility to, 2. Last evaluated: 2016-09-08. Review status: reviewed by expert panel. Criteria: ENIGMA BRCA1/2 Classification Criteria (2015). Collection method: curation. Allele origin: germline.
Comment: Variant allele predicted to encode a truncated non-functional protein.

Ambry Genetics
Classification: Pathogenic for Hereditary cancer-predisposing syndrome. Last evaluated: 2023-05-16. Review status: criteria provided, single submitter. Criteria: Ambry Variant Classification Scheme 2023. Collection method: clinical testing. Allele origin: germline. Not counted in ClinVar's aggregate classification.
Comment: The c.6096dupT pathogenic mutation, located in coding exon 10 of the BRCA2 gene, results from a duplication of T at nucleotide position 6096, causing a translational frameshift with a predicted alternate stop codon (p.I2033Yfs*16). This alteration was identified in 1/651Chinese high-risk breast and/or ovarian cancer patients (Kwong A et al, PLoS ONE 2012; 7(9):e43994). Of note, this alteration is also known as c.6096_6097insT in published literature. In addition to the clinical data presented in the literature, this alteration is expected to result in loss of function by premature protein truncation or nonsense-mediated mRNA decay. As such, this alteration is interpreted as a disease-causing mutation.

Labcorp Genetics (formerly Invitae), Labcorp
Classification: Pathogenic for Hereditary breast ovarian cancer syndrome. Last evaluated: 2022-07-11. Review status: criteria provided, single submitter. Criteria: Invitae Variant Classification Sherloc (09022015). Collection method: clinical testing. Allele origin: germline. Not counted in ClinVar's aggregate classification.
Comment: This sequence change creates a premature translational stop signal (p.Ile2033Tyrfs*16) in the BRCA2 gene. It is expected to result in an absent or disrupted protein product. Loss-of-function variants in BRCA2 are known to be pathogenic (PMID: 20104584). This variant is not present in population databases (gnomAD no frequency). This premature translational stop signal has been observed in individual(s) with personal and/or family history of breast and/or ovarian cancer (PMID: 22970155, 29752822, 30702160). ClinVar contains an entry for this variant (Variation ID: 52010). For these reasons, this variant has been classified as Pathogenic.

Color Diagnostics, LLC DBA Color Health
Classification: Pathogenic for Hereditary cancer-predisposing syndrome. Last evaluated: 2020-05-22. Review status: criteria provided, single submitter. Criteria: ACMG Guidelines, 2015. Collection method: clinical testing. Allele origin: germline. Not counted in ClinVar's aggregate classification.
Comment: This variant inserts 1 nucleotide in exon 11 of the BRCA2 gene, creating a frameshift and premature translation stop signal. This variant is expected to result in an absent or non-functional protein product. This variant has been reported in an individual affected with breast cancer (PMID: 22970155). This variant has not been identified in the general population by the Genome Aggregation Database (gnomAD). Loss of BRCA2 function is a known mechanism of disease. Based on the available evidence, this variant is classified as Pathogenic.

Consortium of Investigators of Modifiers of BRCA1/2 (CIMBA), c/o University of Cambridge
Classification: Pathogenic for Breast-ovarian cancer, familial, susceptibility to, 2. Last evaluated: 2015-10-02. Review status: criteria provided, single submitter. Criteria: CIMBA Mutation Classification guidelines May 2016. Collection method: clinical testing. Allele origin: germline. Not counted in ClinVar's aggregate classification.

Center for Precision Medicine, Meizhou People's Hospital
Classification: Pathogenic for Familial cancer of breast. Review status: no assertion criteria provided. Collection method: literature only. Allele origin: germline. Affected: yes. Not counted in ClinVar's aggregate classification.

Literature cited by the submitters: PubMed 22970155 (cited by 3 submitters); PubMed 20104584 (cited by Labcorp Genetics (formerly Invitae), Labcorp); PubMed 29752822 (cited by Labcorp Genetics (formerly Invitae), Labcorp and Center for Precision Medicine, Meizhou People's Hospital); PubMed 30702160 (cited by Labcorp Genetics (formerly Invitae), Labcorp and Center for Precision Medicine, Meizhou People's Hospital).

NM_000059.4(BRCA2):c.6096dup (p.Ile2033fs)

Gene: BRCA2 (BRCA2 DNA repair associated; plus strand). Cytogenetic location: 13q13.1.
Variant type: Duplication.
Coding change: c.6096dup on transcript NM_000059.4 (MANE Select); coding-DNA position 6096, one base duplicated (T; older notation c.6096dupT).
Protein change: p.Ile2033fs; shifts the reading frame from isoleucine 2033.
Molecular consequence: frameshift variant.
Genome position (GRCh38, 1-based): chr13:32,340,451, T duplicated. VCF-style (leftmost placement, unchanged base first): chr13-32340450-C-CT. GRCh37 (hg19) VCF-style: chr13-32914587-C-CT.
Other names: c.6096dupT (NM_000059.3); short protein forms I2033fs.
Identifiers: ClinVar variation 52010 (VCV000052010.19), dbSNP rs397507829, ClinGen allele CA023644.